The following is an entry in ClinVar:

NM_006885.4(ZFHX3):c.414C>T (p.Asp138=)

Gene: ZFHX3 (zinc finger homeobox 3; minus strand). Cytogenetic location: 16q22.3.
Variant type: single nucleotide variant.
Coding change: c.414C>T on transcript NM_006885.4 (MANE Select); coding-DNA position 414, C replaced by T.
Protein change: p.Asp138=; no amino-acid change (aspartic acid 138 retained).
Molecular consequence: synonymous variant. On other transcripts: intron variant (1).
Genome position (GRCh38, 1-based): chr16:72,959,732, G>A on the plus strand (C>T on the coding strand, the complement: ZFHX3 is on the minus strand). VCF-style: chr16-72959732-G-A. GRCh37 (hg19) VCF-style: chr16-72993631-G-A.
Other names: c.414C>T, p.Asp138= (NM_001386735.1); c.-23-8767C>T (NM_001164766.2); c.414C>T (NM_006885.3).
Identifiers: ClinVar variation 2646850 (VCV002646850.25), dbSNP rs62640011, ClinGen allele CA8164995.

ClinVar aggregate classification (germline): Likely benign. Review status: criteria provided, single submitter (1 of 4 stars). 2 submissions from 2 submitters: Likely benign (1). 1 of the submissions does not count toward it. Last evaluated 2026-09-01.

Conditions:
ZFHX3-related disorder. Also called: ZFHX3-related condition.

Allele frequency attached by ClinVar (database versions not stated): gnomAD 0.00139; TOPMed 0.00149; ExAC 0.00160; 1000 Genomes Project 0.00180; 1000 Genomes Project 30x 0.00187; ESP Exome Variant Server 0.00200; gnomAD exomes 0.00251.
gnomAD v4.1: 3,841 of 1,612,822 alleles (0.24%); highest among the groups gnomAD compares: South Asian, 0.37%; 23 homozygotes.

Submissions (2):

CeGaT Center for Human Genetics Tuebingen
Classification: Likely benign. Last evaluated: 2026-09-01. Review status: criteria provided, single submitter. Criteria: CeGaT Center For Human Genetics Tuebingen Variant Classification Criteria Version 2. Collection method: clinical testing. Allele origin: germline. Affected: yes. Observed: 5 variant alleles.
Comment: ZFHX3: BP4, BP7, BS2

PreventionGenetics, part of Exact Sciences
Classification: Likely benign for ZFHX3-related condition. Last evaluated: 2019-06-06. Review status: no assertion criteria provided. Collection method: clinical testing. Allele origin: germline. Not counted in ClinVar's aggregate classification.
Comment: This variant is classified as likely benign based on ACMG/AMP sequence variant interpretation guidelines (Richards et al. 2015 PMID: 25741868, with internal and published modifications).